The following is an entry in ClinVar:

NM_181507.2(HPS5):c.1771del (p.Glu591fs)

Gene: HPS5 (HPS5 biogenesis of lysosomal organelles complex 2 subunit 2; minus strand). Cytogenetic location: 11p15.1.
Variant type: Deletion.
Coding change: c.1771del on transcript NM_181507.2 (MANE Select); coding-DNA position 1771, one base deleted (G; older notation c.1771delG).
Protein change: p.Glu591fs; shifts the reading frame from glutamic acid 591.
Molecular consequence: frameshift variant.
Genome position (GRCh38, 1-based): chr11:18,295,033, C deleted on the plus strand (G on the coding strand, the reverse complement: HPS5 is on the minus strand); the first of 2 consecutive C bases (chr11:18,295,033-18,295,034); deleting either gives the same sequence. VCF-style (leftmost placement, unchanged base first): chr11-18295032-TC-T. GRCh37 (hg19) VCF-style: chr11-18316579-TC-T.
Other names: c.1771delG (NM_181507.1); c.1771del, p.Glu591fs (NM_001440902.1, NM_001440903.1, NM_001440904.1 and 5 more transcripts); c.1696del, p.Glu566fs (NM_001440907.1, NM_001440908.1, NM_001440909.1); c.1660del, p.Glu554fs (NM_001440913.1, NM_001440914.1, NM_001440915.1); c.1585del, p.Glu529fs (NM_001440918.1); c.1558del, p.Glu520fs (NM_001440919.1); c.1429del, p.Glu477fs (NM_001440920.1, NM_001440921.1, NM_001440922.1 and 7 more transcripts); c.1357del, p.Glu453fs (NM_001440927.1, NM_001440928.1, NM_001440929.1); short protein forms E520fs, E477fs, E591fs, E453fs, E554fs, E529fs, E566fs.
Identifiers: ClinVar variation 4991675 (VCV004991675.1).

ClinVar aggregate classification (germline): Likely pathogenic (1 of 4 stars; one submission).

Conditions:
HPS5-related disorder. Also called: HPS5-related condition.

Submission:

PreventionGenetics, part of Exact Sciences
Classification: Likely pathogenic for HPS5-related condition. Last evaluated: 2025-08-13. Review status: criteria provided, single submitter. Criteria: ACMG Guidelines, 2015. Collection method: clinical testing. Allele origin: germline.
Comment: The HPS5 c.1771delG variant is predicted to result in a frameshift and premature protein termination (p.Glu591Argfs*10). To our knowledge, this variant has not been reported in the literature. This variant is reported in 0.0062% of alleles in individuals of African descent in gnomAD. Frameshift variants in HPS5 are expected to be pathogenic. This variant is interpreted as likely pathogenic.